The following is an entry in ClinVar:

ClinVar aggregate classification (germline): Conflicting classifications of pathogenicity. Review status: criteria provided, conflicting classifications (1 of 4 stars). 2 submissions from 2 submitters: Pathogenic (1); Uncertain significance (1). Last evaluated 2024-09-10.

Conditions:
Marfan syndrome (MFS). Also called: Marfan syndrome, classic; FBN1-Related Marfan Syndrome; Marfan syndrome type 1; Marfan's syndrome; MARFAN SYNDROME, TYPE I. Identifiers: Orphanet 284963, Orphanet 558, MedGen C0024796, MONDO:0007947, OMIM 154700.

Submissions (2):

3billion
Classification: Uncertain significance for Marfan syndrome. Last evaluated: 2024-09-10. Review status: criteria provided, single submitter. Criteria: ACMG Guidelines, 2015. Collection method: clinical testing. Allele origin: germline. Affected: yes.
Comment: The variant is not observed in the gnomAD v4.0.0 dataset. Predicted Consequence/Location: Missense variant In silico tool predictions suggest damaging effect of the variant on gene or gene product [REVEL: 0.77 (>=0.6, sensitivity 0.68 and specificity 0.92)].In silico tools predict the variant to alter splicing and produce an abnormal transcript [SpliceAI: 0.77 (>=0.2, moderate evidence for spliceogenicity)]. The same nucleotide change resulting in the same amino acid change has been previously reported to be associated with FBN1 related disorder (ClinVar ID: VCV000200094 /PMID: 20538085). A different missense change at the same codon (p.Asp2291His) has been reported to be associated with FBN1 related disorder (PMID: 17418587, 17627385). However the evidence of pathogenicity is insufficient at this time. Therefore, this variant is classified as VUS according to the recommendation of ACMG/AMP guideline.

GeneDx
Classification: Pathogenic. Last evaluated: 2015-02-18. Review status: criteria provided, single submitter. Criteria: GeneDx Variant Classification (06012015). Collection method: clinical testing. Allele origin: germline. Affected: yes.
Comment: The D2291N mutation was reported to cause a minimal decrease in splicing efficiency (Evangelisti L et al., 2010). The D2291N variant is a semi-conservative amino acid substitution as these residues share similar properties, but differ in size, charge, or other properties which may impact secondary structure. The D2291 residue is conserved across species. A mutation in the same residue (D2291H) has been reported in association with aortic aneurysm, while mutations in nearby residues (C2289Y, E2294A, C2295R, C2295Y) have been reported in association with Marfan syndrome, further supporting the functional importance of this region of the protein. Additionally, the D2291N mutation was not observed inapproximately 6,500 individuals of European and African American ancestry in the NHLBI Exome Sequencing Project, indicating it is not a common benign variant in these populations. In summary, D2291N in the FBN1 gene is interpreted as a disease-causing mutation. The variant is found in TAAD panel(s).

Literature cited by the submitters: PubMed 20538085 (cited by 3billion); PubMed 17418587 (cited by 3billion).

NM_000138.5(FBN1):c.6871G>A (p.Asp2291Asn)

Gene: FBN1 (fibrillin 1; minus strand). Cytogenetic location: 15q21.1.
Variant type: single nucleotide variant.
Coding change: c.6871G>A on transcript NM_000138.5 (MANE Select); coding-DNA position 6871, G replaced by A.
Protein change: p.Asp2291Asn; replaces aspartic acid 2291 with asparagine.
Molecular consequence: missense variant.
Genome position (GRCh38, 1-based): chr15:48,430,671, C>T on the plus strand (G>A on the coding strand, the complement: FBN1 is on the minus strand). VCF-style: chr15-48430671-C-T. GRCh37 (hg19) VCF-style: chr15-48722868-C-T.
Other names: p.D2291N:GAT>AAT; short protein forms D2291N.
Identifiers: ClinVar variation 200094 (VCV000200094.3), dbSNP rs794728257, ClinGen allele CA016793.
Genomic context (GRCh38, chr15:48,430,671, plus strand): 5'-TCCTTCTGTCCACTGTCACTTCTGATGCACTCAAAGCTCCTTCCACAGGGATCCTCTTAC[C>T]TACACAGCCTTCTCCATCAGGTCTCCGCTGATACCCGGGTCCACAGATGCACATATATGT-3'
Protein context (NP_000129.3, residues 2281-2301): QRRPDGEGCV[Asp2291Asn]ENECQTKPGI